The following is an entry in ClinVar:

ClinVar aggregate classification (germline): Conflicting classifications of pathogenicity. Review status: criteria provided, conflicting classifications (1 of 4 stars). 2 submissions from 2 submitters: Uncertain significance (1); Likely benign (1). Last evaluated 2025-03-17.

Conditions:
Short-rib thoracic dysplasia 10 with or without polydactyly (SRTD10). Identifiers: Orphanet 474, MedGen C3810175, MONDO:0014284, OMIM 615630.
Retinitis pigmentosa 71 (RP71). Identifiers: Orphanet 791, MedGen C4225342, MONDO:0014618, OMIM 616394.
IFT172-related disorder. Also called: IFT172-related disorders; IFT172-related condition.

Allele frequency attached by ClinVar (database versions not stated): gnomAD exomes below 0.00001; gnomAD 0.00001; TOPMed 0.00001.
gnomAD v4.1: 5 of 1,612,682 alleles (0.00031%); highest among the groups gnomAD compares: East Asian, 0.0022%; no homozygotes.

Submissions (2):

Labcorp Genetics (formerly Invitae), Labcorp
Classification: Likely benign for Retinitis pigmentosa 71; Short-rib thoracic dysplasia 10 with or without polydactyly. Last evaluated: 2025-03-17. Review status: criteria provided, single submitter. Criteria: Invitae Variant Classification Sherloc (09022015). Collection method: clinical testing. Allele origin: germline.

PreventionGenetics, part of Exact Sciences
Classification: Uncertain significance for IFT172-related condition. Last evaluated: 2024-11-07. Review status: criteria provided, single submitter. Criteria: ACMG Guidelines, 2015. Collection method: clinical testing. Allele origin: germline.
Comment: The IFT172 c.1572C>T variant is not predicted to result in an amino acid change (p.=). This variant is predicted to alter splicing based on available splicing prediction programs (SpliceAI, Jaganathan et al. 2019. PubMed ID: 30661751). However, the use of computer prediction programs is not equivalent to functional evidence. To our knowledge, this variant has not been reported in the literature or in a large population database (gnomAD), indicating this variant is rare. At this time, the clinical significance of this variant is uncertain due to the absence of conclusive functional and genetic evidence.

NM_015662.3(IFT172):c.1572C>T (p.Asn524=)

Gene: IFT172 (intraflagellar transport 172; minus strand). Cytogenetic location: 2p23.3.
Variant type: single nucleotide variant.
Coding change: c.1572C>T on transcript NM_015662.3 (MANE Select); coding-DNA position 1572, C replaced by T.
Protein change: p.Asn524=; no amino-acid change (asparagine 524 retained).
Molecular consequence: synonymous variant.
Genome position (GRCh38, 1-based): chr2:27,471,048, G>A on the plus strand (C>T on the coding strand, the complement: IFT172 is on the minus strand). VCF-style: chr2-27471048-G-A. GRCh37 (hg19) VCF-style: chr2-27693915-G-A.
Other names: c.1572C>T (NM_015662.2).
Identifiers: ClinVar variation 1658822 (VCV001658822.9), dbSNP rs1208242658, ClinGen allele CA425410475.